The following is an entry in ClinVar:

NM_002485.5(NBN):c.2059A>T (p.Lys687Ter)

Gene: NBN (nibrin; minus strand). Cytogenetic location: 8q21.3.
Variant type: single nucleotide variant.
Coding change: c.2059A>T on transcript NM_002485.5 (MANE Select); coding-DNA position 2059, A replaced by T.
Protein change: p.Lys687Ter; replaces lysine 687 with a stop codon.
Molecular consequence: nonsense.
Genome position (GRCh38, 1-based): chr8:89,946,151, T>A on the plus strand (A>T on the coding strand, the complement: NBN is on the minus strand). VCF-style: chr8-89946151-T-A. GRCh37 (hg19) VCF-style: chr8-90958379-T-A.
Other names: c.1813A>T, p.Lys605Ter (NM_001024688.3); short protein forms K687*, K605*.
Identifiers: ClinVar variation 1447502 (VCV001447502.6), dbSNP rs2130763590, ClinGen allele CA371676338.

ClinVar aggregate classification (germline): Pathogenic (1 of 4 stars; one submission).

Conditions:
Microcephaly, normal intelligence and immunodeficiency (NBS). Also called: BERLIN BREAKAGE SYNDROME; IMMUNODEFICIENCY, MICROCEPHALY, AND CHROMOSOMAL INSTABILITY; SEEMANOVA SYNDROME II; Immunodeficiency, microcephaly with normal intelligence; Nijmegen breakage syndrome; Microcephaly with normal intelligence immunodeficiency and lymphoreticular malignancies. Identifiers: Orphanet 647, MedGen C0398791, MONDO:0009623, OMIM 251260.

Submission:

Labcorp Genetics (formerly Invitae), Labcorp
Classification: Pathogenic for Microcephaly, normal intelligence and immunodeficiency. Last evaluated: 2021-10-20. Review status: criteria provided, single submitter. Criteria: Invitae Variant Classification Sherloc (09022015). Collection method: clinical testing. Allele origin: germline.
Comment: For these reasons, this variant has been classified as Pathogenic. Algorithms developed to predict the effect of sequence changes on RNA splicing suggest that this variant may create or strengthen a splice site. This variant has not been reported in the literature in individuals affected with NBN-related conditions. This variant is not present in population databases (gnomAD no frequency). This sequence change creates a premature translational stop signal (p.Lys687*) in the NBN gene. It is expected to result in an absent or disrupted protein product. Loss-of-function variants in NBN are known to be pathogenic (PMID: 9590180, 16415040).

Literature cited by the submitters: PubMed 9590180; PubMed 16415040.